The following is an entry in ClinVar:

NM_004273.5(CHST3):c.901C>T (p.Arg301Cys)

Gene: CHST3 (carbohydrate sulfotransferase 3; plus strand). Cytogenetic location: 10q22.1.
Variant type: single nucleotide variant.
Coding change: c.901C>T on transcript NM_004273.5 (MANE Select); coding-DNA position 901, C replaced by T.
Protein change: p.Arg301Cys; replaces arginine 301 with cysteine.
Molecular consequence: missense variant.
Genome position (GRCh38, 1-based): chr10:72,007,932, C>T. VCF-style: chr10-72007932-C-T. GRCh37 (hg19) VCF-style: chr10-73767690-C-T.
Other names: short protein forms R301C.
Identifiers: ClinVar variation 2083762 (VCV002083762.4), dbSNP rs1361141661, ClinGen allele CA377147870.

ClinVar aggregate classification (germline): Uncertain significance (1 of 4 stars; one submission).

Conditions:
Spondyloepiphyseal dysplasia with congenital joint dislocations (SEDCJD). Also called: Chondrodysplasia with Congenital Joint Dislocations, CHST3-Related. Identifiers: Orphanet 263463, MedGen C1837657, MONDO:0007738, OMIM 143095.

Allele frequency attached by ClinVar (database versions not stated): gnomAD exomes below 0.00001.
gnomAD v4.1: 1 of 1,551,630 alleles (0.000064%); highest among the groups gnomAD compares: South Asian, 0.0012%; no homozygotes.

Submission:

Labcorp Genetics (formerly Invitae), Labcorp
Classification: Uncertain significance for Spondyloepiphyseal dysplasia with congenital joint dislocations. Last evaluated: 2022-01-15. Review status: criteria provided, single submitter. Criteria: Invitae Variant Classification Sherloc (09022015). Collection method: clinical testing. Allele origin: germline.
Comment: In summary, the available evidence is currently insufficient to determine the role of this variant in disease. Therefore, it has been classified as a Variant of Uncertain Significance. Algorithms developed to predict the effect of missense changes on protein structure and function (SIFT, PolyPhen-2, Align-GVGD) all suggest that this variant is likely to be disruptive. This variant has not been reported in the literature in individuals affected with CHST3-related conditions. The frequency data for this variant in the population databases is considered unreliable, as metrics indicate poor data quality at this position in the gnomAD database. This sequence change replaces arginine, which is basic and polar, with cysteine, which is neutral and slightly polar, at codon 301 of the CHST3 protein (p.Arg301Cys).